The following is an entry in ClinVar:

NM_004656.4(BAP1):c.1549A>G (p.Thr517Ala)

Gene: BAP1 (BRCA1 associated deubiquitinase 1; minus strand). Cytogenetic location: 3p21.1.
Variant type: single nucleotide variant.
Coding change: c.1549A>G on transcript NM_004656.4 (MANE Select); coding-DNA position 1549, A replaced by G.
Protein change: p.Thr517Ala; replaces threonine 517 with alanine.
Molecular consequence: missense variant.
Genome position (GRCh38, 1-based): chr3:52,403,596, T>C on the plus strand (A>G on the coding strand, the complement: BAP1 is on the minus strand). VCF-style: chr3-52403596-T-C. GRCh37 (hg19) VCF-style: chr3-52437612-T-C.
Other names: c.1549A>G (NM_004656.2); short protein forms T517A.
Identifiers: ClinVar variation 1315738 (VCV001315738.7), dbSNP rs1449536422, ClinGen allele CA353100723.

ClinVar aggregate classification (germline): Conflicting classifications of pathogenicity. Review status: criteria provided, conflicting classifications (1 of 4 stars). 3 submissions from 3 submitters: Uncertain significance (2); Likely benign (1). Last evaluated 2025-06-13.

Conditions:
Hereditary cancer-predisposing syndrome. Also called: Hereditary neoplastic syndrome; Neoplastic Syndromes, Hereditary; Tumor predisposition; Hereditary Cancer Syndrome. Identifiers: Orphanet 140162, MedGen C0027672, MeSH D009386, MONDO:0015356.
BAP1-related tumor predisposition syndrome (TPDS1). Also called: COMMON Syndrome; Tumor susceptibility linked to germline BAP1 mutations; BAP1 tumor predisposition syndrome; TUMOR PREDISPOSITION SYNDROME 1. Identifiers: Orphanet 289539, MedGen C3280492, MONDO:0013692, OMIM 614327.

Allele frequency attached by ClinVar (database versions not stated): gnomAD exomes 0.00001.
gnomAD v4.1: 3 of 1,614,022 alleles (0.00019%); highest among the groups gnomAD compares: Non-Finnish European, 0.00025%; no homozygotes.

Submissions (3):

Ambry Genetics
Classification: Likely benign for Hereditary cancer-predisposing syndrome. Last evaluated: 2025-06-13. Review status: criteria provided, single submitter. Criteria: Ambry Variant Classification Scheme 2023. Collection method: clinical testing. Allele origin: germline.

Labcorp Genetics (formerly Invitae), Labcorp
Classification: Uncertain significance for BAP1-related tumor predisposition syndrome. Last evaluated: 2024-07-03. Review status: criteria provided, single submitter. Criteria: Invitae Variant Classification Sherloc (09022015). Collection method: clinical testing. Allele origin: germline.
Comment: This sequence change replaces threonine, which is neutral and polar, with alanine, which is neutral and non-polar, at codon 517 of the BAP1 protein (p.Thr517Ala). This variant is not present in population databases (gnomAD no frequency). This variant has not been reported in the literature in individuals affected with BAP1-related conditions. ClinVar contains an entry for this variant (Variation ID: 1315738). Advanced modeling of protein sequence and biophysical properties (such as structural, functional, and spatial information, amino acid conservation, physicochemical variation, residue mobility, and thermodynamic stability) has been performed at Invitae for this missense variant, however the output from this modeling did not meet the statistical confidence thresholds required to predict the impact of this variant on BAP1 protein function. In summary, the available evidence is currently insufficient to determine the role of this variant in disease. Therefore, it has been classified as a Variant of Uncertain Significance.

GeneDx
Classification: Uncertain significance. Last evaluated: 2019-05-15. Review status: criteria provided, single submitter. Criteria: GeneDx Variant Classification Process June 2021. Collection method: clinical testing. Allele origin: germline. Affected: yes.
Comment: Not observed in large population cohorts (Lek et al., 2016); In silico analysis, which includes protein predictors and evolutionary conservation, supports that this variant does not alter protein structure/function; Has not been previously published as pathogenic or benign to our knowledge

Literature cited by the submitters: PubMed 38969833 (cited by Ambry Genetics).